The following is an entry in ClinVar:

ClinVar aggregate classification (germline): Uncertain significance (1 of 4 stars; one submission).

Allele frequency attached by ClinVar (database versions not stated): gnomAD exomes below 0.00001; TOPMed below 0.00001; gnomAD 0.00001.
gnomAD v4.1: 3 of 1,614,064 alleles (0.00019%); highest among the groups gnomAD compares: Non-Finnish European, 0.00025%; no homozygotes.

Submission:

Labcorp Genetics (formerly Invitae), Labcorp
Classification: Uncertain significance. Last evaluated: 2020-12-21. Review status: criteria provided, single submitter. Criteria: Invitae Variant Classification Sherloc (09022015). Collection method: clinical testing. Allele origin: germline.
Comment: In summary, the available evidence is currently insufficient to determine the role of this variant in disease. Therefore, it has been classified as a Variant of Uncertain Significance. Experimental studies and prediction algorithms are not available or were not evaluated, and the functional significance of this variant is currently unknown. This variant has not been reported in the literature in individuals with COL18A1-related conditions. This variant is not present in population databases (ExAC no frequency). This sequence change replaces glutamic acid with lysine at codon 560 of the COL18A1 protein (p.Glu560Lys). The glutamic acid residue is weakly conserved and there is a small physicochemical difference between glutamic acid and lysine.

NM_001379500.1(COL18A1):c.1678G>A (p.Glu560Lys)

Gene: COL18A1 (collagen type XVIII alpha 1 chain; plus strand). Cytogenetic location: 21q22.3.
Variant type: single nucleotide variant.
Coding change: c.1678G>A on transcript NM_001379500.1 (MANE Select); coding-DNA position 1678, G replaced by A.
Protein change: p.Glu560Lys; replaces glutamic acid 560 with lysine.
Molecular consequence: missense variant.
Genome position (GRCh38, 1-based): chr21:45,482,798, G>A. VCF-style: chr21-45482798-G-A. GRCh37 (hg19) VCF-style: chr21-46902712-G-A.
Other names: c.2218G>A, p.Glu740Lys (NM_030582.4); c.2923G>A, p.Glu975Lys (NM_130444.3); short protein forms E975K, E560K, E740K.
Identifiers: ClinVar variation 1500482 (VCV001500482.6), dbSNP rs980331086, ClinGen allele CA321917772.